The following is an entry in ClinVar:

ClinVar aggregate classification (germline): Likely benign (1 of 4 stars; one submission).

Allele frequency attached by ClinVar (database versions not stated): gnomAD exomes 0.00025; gnomAD 0.00027; 1000 Genomes Project 30x 0.00125; 1000 Genomes Project 0.00160; TOPMed 0.00013.
gnomAD v4.1: 104 of 400,702 alleles (0.026%); highest among the groups gnomAD compares: South Asian, 0.52%; no homozygotes.

Submission:

CeGaT Center for Human Genetics Tuebingen
Classification: Likely benign. Last evaluated: 2022-11-01. Review status: criteria provided, single submitter. Criteria: CeGaT Center For Human Genetics Tuebingen Variant Classification Criteria Version 2. Collection method: clinical testing. Allele origin: germline. Affected: yes. Observed: 1 variant allele.
Comment: TNNI3K: BS1

NM_015978.3(TNNI3K):c.2121+6858C>T

Genes: FPGT-TNNI3K (FPGT-TNNI3K readthrough; plus strand), LRRC53 (leucine rich repeat containing 53; minus strand), TNNI3K (TNNI3 interacting kinase; plus strand). Cytogenetic location: 1p31.1.
Variant type: single nucleotide variant.
Coding change: c.2121+6858C>T on transcript NM_015978.3 (MANE Select); 6858 bases into the intron after coding-DNA position 2121, C replaced by T.
Molecular consequence: intron variant. On other transcripts: missense variant (2).
Genome position (GRCh38, 1-based): chr1:74,470,408, C>T. VCF-style: chr1-74470408-C-T. GRCh37 (hg19) VCF-style: chr1-74936092-C-T.
Other names: c.3118G>A, p.Glu1040Lys (NM_001364666.2); c.3214G>A, p.Glu1072Lys (NM_001382280.1); c.2424+6858C>T (NM_001112808.3); short protein forms E1040K, E1072K.
Identifiers: ClinVar variation 2638879 (VCV002638879.24), dbSNP rs541070211, ClinGen allele CA909630.